The following is an entry in ClinVar:

ClinVar aggregate classification (germline): Uncertain significance. Review status: criteria provided, multiple submitters, no conflicts (2 of 4 stars). 2 submissions from 2 submitters: Uncertain significance (2). Last evaluated 2023-08-23.

Allele frequency attached by ClinVar (database versions not stated): ExAC 0.00001; gnomAD exomes 0.00001; gnomAD 0.00002; TOPMed 0.00002; ESP Exome Variant Server 0.00008.
gnomAD v4.1: 15 of 1,612,270 alleles (0.00093%); highest among the groups gnomAD compares: Non-Finnish European, 0.0012%; no homozygotes.

Submissions (2):

Blueprint Genetics
Classification: Uncertain significance. Last evaluated: 2023-08-23. Review status: criteria provided, single submitter. Criteria: ACMG Guidelines, 2015. Collection method: clinical testing. Allele origin: germline.

Labcorp Genetics (formerly Invitae), Labcorp
Classification: Uncertain significance. Last evaluated: 2022-10-04. Review status: criteria provided, single submitter. Criteria: Invitae Variant Classification Sherloc (09022015). Collection method: clinical testing. Allele origin: germline.
Comment: This sequence change replaces leucine, which is neutral and non-polar, with valine, which is neutral and non-polar, at codon 265 of the PDE6C protein (p.Leu265Val). This variant is present in population databases (rs151029989, gnomAD 0.002%). This variant has not been reported in the literature in individuals affected with PDE6C-related conditions. ClinVar contains an entry for this variant (Variation ID: 1041473). Advanced modeling of protein sequence and biophysical properties (such as structural, functional, and spatial information, amino acid conservation, physicochemical variation, residue mobility, and thermodynamic stability) performed at Invitae indicates that this missense variant is not expected to disrupt PDE6C protein function. In summary, the available evidence is currently insufficient to determine the role of this variant in disease. Therefore, it has been classified as a Variant of Uncertain Significance.

NM_006204.4(PDE6C):c.793C>G (p.Leu265Val)

Gene: PDE6C (phosphodiesterase 6C; plus strand). Cytogenetic location: 10q23.33.
Variant type: single nucleotide variant.
Coding change: c.793C>G on transcript NM_006204.4 (MANE Select); coding-DNA position 793, C replaced by G.
Protein change: p.Leu265Val; replaces leucine 265 with valine.
Molecular consequence: missense variant.
Genome position (GRCh38, 1-based): chr10:93,622,001, C>G. VCF-style: chr10-93622001-C-G. GRCh37 (hg19) VCF-style: chr10-95381758-C-G.
Other names: short protein forms L265V.
Identifiers: ClinVar variation 1041473 (VCV001041473.9), dbSNP rs151029989, ClinGen allele CA5609942.